The following is an entry in ClinVar:

NM_006180.6(NTRK2):c.400C>A (p.His134Asn)

Gene: NTRK2 (neurotrophic receptor tyrosine kinase 2; plus strand). Cytogenetic location: 9q21.33.
Variant type: single nucleotide variant.
Coding change: c.400C>A on transcript NM_006180.6 (MANE Select); coding-DNA position 400, C replaced by A.
Protein change: p.His134Asn; replaces histidine 134 with asparagine.
Molecular consequence: missense variant. On other transcripts: 5 prime UTR variant (5).
Genome position (GRCh38, 1-based): chr9:84,707,884, C>A. VCF-style: chr9-84707884-C-A. GRCh37 (hg19) VCF-style: chr9-87322799-C-A.
Other names: c.400C>A, p.His134Asn (NM_001007097.3, NM_001018064.3, NM_001018065.2 and 18 more transcripts); c.-69C>A (NM_001369535.1, NM_001369536.1, NM_001369550.1 and 2 more transcripts); short protein forms H134N.
Identifiers: ClinVar variation 3369962 (VCV003369962.1).

ClinVar aggregate classification (germline): Uncertain significance (1 of 4 stars; one submission).

Submission:

GeneDx
Classification: Uncertain significance. Last evaluated: 2023-12-21. Review status: criteria provided, single submitter. Criteria: GeneDx Variant Classification Process June 2021. Collection method: clinical testing. Allele origin: germline. Affected: yes.
Comment: Not observed at significant frequency in large population cohorts (gnomAD); In silico analysis supports that this missense variant does not alter protein structure/function; Has not been previously published as pathogenic or benign to our knowledge